The following is an entry in ClinVar:

NM_002878.4(RAD51D):c.514G>C (p.Ala172Pro)

Genes: RAD51D (RAD51 paralog D; minus strand), RAD51L3-RFFL (RAD51L3-RFFL readthrough; minus strand). Cytogenetic location: 17q12.
Variant type: single nucleotide variant.
Coding change: c.514G>C on transcript NM_002878.4 (MANE Select); coding-DNA position 514, G replaced by C.
Protein change: p.Ala172Pro; replaces alanine 172 with proline.
Molecular consequence: missense variant. On other transcripts: non-coding transcript variant (3).
Genome position (GRCh38, 1-based): chr17:35,106,448, C>G on the plus strand (G>C on the coding strand, the complement: RAD51D is on the minus strand). VCF-style: chr17-35106448-C-G. GRCh37 (hg19) VCF-style: chr17-33433467-C-G.
Other names: c.574G>C, p.Ala192Pro (NM_001142571.2); c.178G>C, p.Ala60Pro (NM_133629.3); short protein forms A192P, A60P, A172P.
Identifiers: ClinVar variation 4844320 (VCV004844320.1).
Genomic context (GRCh38, chr17:35,106,448, plus strand): 5'-GCTGGGCCACAGTGCCTCGGAGCTCCTGCAGCACATCCAGCATCTGGAAGATGTCAAATG[C>G]ATGCACCACCTGGATCCTCCGGAGAGCTTCTGCCTGAAGCGGTGGAAAAGAAAAGCAAGG-3'
Protein context (NP_002869.3, residues 162-182): EALRRIQVVH[Ala172Pro]FDIFQMLDVL

ClinVar aggregate classification (germline): Uncertain significance (1 of 4 stars; one submission).

Conditions:
Hereditary cancer-predisposing syndrome. Also called: Neoplastic Syndromes, Hereditary; Tumor predisposition; Hereditary Cancer Syndrome; Hereditary neoplastic syndrome. Identifiers: Orphanet 140162, MedGen C0027672, MeSH D009386, MONDO:0015356.

Submission:

Ambry Genetics
Classification: Uncertain significance for Hereditary cancer-predisposing syndrome. Last evaluated: 2026-01-24. Review status: criteria provided, single submitter. Criteria: Ambry Variant Classification Scheme 2023. Collection method: clinical testing. Allele origin: germline.
Comment: The p.A172P variant (also known as c.514G>C), located in coding exon 6 of the RAD51D gene, results from a G to C substitution at nucleotide position 514. The alanine at codon 172 is replaced by proline, an amino acid with highly similar properties. This amino acid position is conserved. In addition, this alteration is predicted to be deleterious by in silico analysis. Based on the available evidence, the clinical significance of this variant remains unclear.